The following is an entry in ClinVar:

ClinVar aggregate classification (germline): Conflicting classifications of pathogenicity. Review status: criteria provided, conflicting classifications (1 of 4 stars). 11 submissions from 11 submitters: Uncertain significance (7); Likely benign (2). 2 of the submissions do not count toward it. Last evaluated 2026-01-28.

Conditions:
NEB-related disorder. Also called: NEB-Related Disorders; NEB-related condition.
Inborn genetic diseases. Identifiers: MedGen C0950123, MeSH D030342.
Nemaline myopathy 2 (NEM2). Also called: Nemaline myopathy 2, autosomal recessive. Identifiers: MedGen C1850569, MONDO:0009725, OMIM 256030.

Allele frequency attached by ClinVar (database versions not stated): gnomAD 0.00029; TOPMed 0.00033; 1000 Genomes Project 0.00060; 1000 Genomes Project 30x 0.00078; ESP Exome Variant Server 0.00024.
gnomAD v4.1: 255 of 1,613,756 alleles (0.016%); highest among the groups gnomAD compares: Admixed American, 0.18%; 1 homozygote.

Submissions (11):

Labcorp Genetics (formerly Invitae), Labcorp
Classification: Likely benign for Nemaline myopathy 2. Last evaluated: 2026-01-28. Review status: criteria provided, single submitter. Criteria: Invitae Variant Classification Sherloc (09022015). Collection method: clinical testing. Allele origin: germline.

Mayo Clinic Laboratories, Mayo Clinic
Classification: Uncertain significance. Last evaluated: 2025-08-29. Review status: criteria provided, single submitter. Criteria: ACMG Guidelines, 2015. Collection method: clinical testing. Allele origin: germline. Observed: 1 variant allele.
Comment: BP4_moderate

Ambry Genetics
Classification: Uncertain significance for Inborn genetic diseases. Last evaluated: 2025-04-04. Review status: criteria provided, single submitter. Criteria: Ambry Variant Classification Scheme 2023. Collection method: clinical testing. Allele origin: germline.

Blueprint Genetics
Classification: Uncertain significance. Last evaluated: 2024-11-25. Review status: criteria provided, single submitter. Criteria: ACMG Guidelines, 2015. Collection method: clinical testing. Allele origin: germline.

Women's Health and Genetics/Laboratory Corporation of America, LabCorp
Classification: Uncertain significance. Last evaluated: 2024-07-02. Review status: criteria provided, single submitter. Criteria: LabCorp Variant Classification Summary - May 2015. Collection method: clinical testing. Allele origin: germline.
Comment: Variant summary: NEB c.5696C>T (p.Thr1899Ile) results in a non-conservative amino acid change in the encoded protein sequence. Two of four in-silico tools predict a benign effect of the variant on protein function. The variant allele was found at a frequency of 0.00048 in 248838 control chromosomes, predominantly at a frequency of 0.0027 within the Latino subpopulation in the gnomAD database. This frequency is not significantly higher than estimated for a pathogenic variant in NEB causing Nemaline Myopathy 2 (0.00048 vs 0.0035), allowing no conclusion about variant significance. c.5696C>T has been reported in the literature in one individual affected with Congenital myasthenic syndrome with a genetic cause from other gene (Szelinger_2020). These report(s) do not provide unequivocal conclusions about association of the variant with Nemaline Myopathy 2. To our knowledge, no experimental evidence demonstrating an impact on protein function has been reported. The following publication has been ascertained in the context of this evaluation (PMID: 32754643). ClinVar contains an entry for this variant (Variation ID: 285430). Based on the evidence outlined above, the variant was classified as uncertain significance.

GeneDx
Classification: Uncertain significance. Last evaluated: 2021-11-22. Review status: criteria provided, single submitter. Criteria: GeneDx Variant Classification Process June 2021. Collection method: clinical testing. Allele origin: germline. Affected: yes.
Comment: In silico analysis supports that this missense variant has a deleterious effect on protein structure/function; Has not been previously published as pathogenic or benign to our knowledge

Illumina Laboratory Services, Illumina
Classification: Uncertain significance for Nemaline myopathy 2. Last evaluated: 2018-01-12. Review status: criteria provided, single submitter. Criteria: ICSL Variant Classification Criteria 13 December 2019. Collection method: clinical testing. Allele origin: germline.

Institute for Genomic Medicine (IGM) Clinical Laboratory, Nationwide Children's Hospital
Classification: Likely benign. Last evaluated: 2017-10-06. Review status: criteria provided, single submitter. Criteria: ACMG Guidelines, 2015. Collection method: clinical testing. Allele origin: germline.
Comment: BP1,BP4; This alteration is a missense alteration in a gene for which primarily truncating variants are known to cause disease, and is predicted to be tolerated by multiple functional prediction tools.

Eurofins Ntd Llc (ga)
Classification: Uncertain significance. Last evaluated: 2016-01-26. Review status: criteria provided, single submitter. Criteria: EGL Classification Definitions 2015. Collection method: clinical testing. Allele origin: germline. Observed: 2 variant alleles, 2 heterozygotes.

PreventionGenetics, part of Exact Sciences
Classification: Likely benign for NEB-related condition. Last evaluated: 2024-03-13. Review status: no assertion criteria provided. Collection method: clinical testing. Allele origin: germline. Not counted in ClinVar's aggregate classification.
Comment: This variant is classified as likely benign based on ACMG/AMP sequence variant interpretation guidelines (Richards et al. 2015 PMID: 25741868, with internal and published modifications).

Natera, Inc.
Classification: Uncertain significance for Nemaline myopathy type 2. Last evaluated: 2020-01-24. Review status: no assertion criteria provided. Collection method: clinical testing. Allele origin: germline. Not counted in ClinVar's aggregate classification.

Literature cited by the submitters: PubMed 32754643 (cited by Mayo Clinic Laboratories, Mayo Clinic and Women's Health and Genetics/Laboratory Corporation of America, LabCorp).

NM_001164508.2(NEB):c.5696C>T (p.Thr1899Ile)

Gene: NEB (nebulin; minus strand). Cytogenetic location: 2q23.3.
Variant type: single nucleotide variant.
Coding change: c.5696C>T on transcript NM_001164508.2 (MANE Select); coding-DNA position 5696, C replaced by T.
Protein change: p.Thr1899Ile; replaces threonine 1899 with isoleucine.
Molecular consequence: missense variant.
Genome position (GRCh38, 1-based): chr2:151,663,615, G>A on the plus strand (C>T on the coding strand, the complement: NEB is on the minus strand). VCF-style: chr2-151663615-G-A. GRCh37 (hg19) VCF-style: chr2-152520129-G-A.
Other names: p.Thr1899Ile; c.5696C>T, p.Thr1899Ile (NM_001164507.2, NM_001271208.2, NM_004543.5); short protein forms T1899I.
Identifiers: ClinVar variation 285430 (VCV000285430.32), dbSNP rs202234374, ClinGen allele CA1910305.
Genomic context (GRCh38, chr2:151,663,615, plus strand): 5'-TGAATCTGCATCATATTTTTGGCCAATTCAAAGCTCATGGCATCAGGAAGCATGTTGTAG[G>A]TATGGATCACGTTCCTGTAGTTGGCATTGGTGGCCACTTCCTGAGACTTCTTGGCTGCCA-3'
Protein context (NP_001157980.2, residues 1889-1909): TNANYRNVIH[Thr1899Ile]YNMLPDAMSF